The following is an entry in ClinVar:

NM_001069.3(TUBB2A):c.484C>T (p.Arg162Cys)

Gene: TUBB2A (tubulin beta 2A class IIa; minus strand). Cytogenetic location: 6p25.2.
Variant type: single nucleotide variant.
Coding change: c.484C>T on transcript NM_001069.3 (MANE Select); coding-DNA position 484, C replaced by T.
Protein change: p.Arg162Cys; replaces arginine 162 with cysteine.
Molecular consequence: missense variant.
Genome position (GRCh38, 1-based): chr6:3,154,717, G>A on the plus strand (C>T on the coding strand, the complement: TUBB2A is on the minus strand). VCF-style: chr6-3154717-G-A. GRCh37 (hg19) VCF-style: chr6-3154951-G-A.
Other names: c.229C>T, p.Arg77Cys (NM_001310315.2); short protein forms R77C, R162C.
Identifiers: ClinVar variation 5031533 (VCV005031533.1).

ClinVar aggregate classification (germline): Likely pathogenic (1 of 4 stars; one submission).

Conditions:
Inborn genetic diseases. Identifiers: MedGen C0950123, MeSH D030342.

Submission:

Ambry Genetics
Classification: Likely pathogenic for Inborn genetic diseases. Last evaluated: 2026-07-20. Review status: criteria provided, single submitter. Criteria: Ambry Variant Classification Scheme 2023. Collection method: clinical testing. Allele origin: germline.
Comment: The c.484C>T (p.R162C) alteration is located in exon 4 (coding exon 4) of the TUBB2A gene. This alteration results from a C to T substitution at nucleotide position 484, causing the arginine (R) at amino acid position 162 to be replaced by a cysteine (C). This variant was not reported in population-based cohorts in the Genome Aggregation Database (gnomAD). This variant was determined to be de novo in at least one individual with features consistent with TUBB2A-related complex cortical dysplasia (Surana, 2020). This amino acid position is well conserved in available vertebrate species. This missense variant is located in a region that has a low rate of benign missense variation (Lek, 2016; Firth, 2009). This alteration is predicted to be deleterious by in silico analysis. Based on the available evidence, this alteration is classified as likely pathogenic.

Literature cited by the submitters: PubMed 33196034.